The following is an entry in ClinVar:

NM_172245.4(CSF2RA):c.416C>G (p.Ala139Gly)

Gene: CSF2RA (colony stimulating factor 2 receptor subunit alpha; plus strand). Cytogenetic location: Xp22.33.
Variant type: single nucleotide variant.
Coding change: c.416C>G on transcript NM_172245.4 (MANE Select); coding-DNA position 416, C replaced by G.
Protein change: p.Ala139Gly; replaces alanine 139 with glycine.
Molecular consequence: missense variant. On other transcripts: non-coding transcript variant (1).
Genome position (GRCh38, 1-based): chrX:1,288,831, C>G. VCF-style: chrX-1288831-C-G. GRCh37 (hg19) VCF-style: chrX-1407724-C-G.
Other names: c.416C>G, p.Ala139Gly (NM_001379164.1, NM_001379165.1, NM_001379166.1 and 20 more transcripts); c.17C>G, p.Ala6Gly (NM_001161532.2); short protein forms A6G, A139G.
Identifiers: ClinVar variation 1367378 (VCV001367378.8), dbSNP rs777638014, ClinGen allele CA412235350.

ClinVar aggregate classification (germline): Uncertain significance (1 of 4 stars; one submission).

Conditions:
Surfactant metabolism dysfunction, pulmonary, 4 (SMDP4). Also called: CSF2RA DEFICIENCY; PAP DUE TO CSF2RA DEFICIENCY; PULMONARY ALVEOLAR PROTEINOSIS, CONGENITAL, 4. Identifiers: Orphanet 264675, MedGen C2677877, MONDO:0010424, OMIM 300770.

gnomAD v4.1: 3 of 1,613,788 alleles (0.00019%); highest among the groups gnomAD compares: Non-Finnish European, 0.00025%; no homozygotes.

Submission:

Labcorp Genetics (formerly Invitae), Labcorp
Classification: Uncertain significance for Surfactant metabolism dysfunction, pulmonary, 4. Last evaluated: 2024-11-11. Review status: criteria provided, single submitter. Criteria: Invitae Variant Classification Sherloc (09022015). Collection method: clinical testing. Allele origin: germline.
Comment: This sequence change replaces alanine, which is neutral and non-polar, with glycine, which is neutral and non-polar, at codon 139 of the CSF2RA protein (p.Ala139Gly). This variant is not present in population databases (gnomAD no frequency). This variant has not been reported in the literature in individuals affected with CSF2RA-related conditions. ClinVar contains an entry for this variant (Variation ID: 1367378). Invitae Evidence Modeling of protein sequence and biophysical properties (such as structural, functional, and spatial information, amino acid conservation, physicochemical variation, residue mobility, and thermodynamic stability) indicates that this missense variant is not expected to disrupt CSF2RA protein function with a negative predictive value of 80%. In summary, the available evidence is currently insufficient to determine the role of this variant in disease. Therefore, it has been classified as a Variant of Uncertain Significance.